The following is an entry in ClinVar:

ClinVar aggregate classification (germline): Conflicting classifications of pathogenicity. Review status: criteria provided, conflicting classifications (1 of 4 stars). 2 submissions from 2 submitters: Uncertain significance (1); Likely benign (1). Last evaluated 2025-07-08.

Conditions:
Neurodegeneration with brain iron accumulation 6 (NBIA6). Also called: COASY protein-associated neurodegeneration. Identifiers: Orphanet 397725, MedGen C4517377, MONDO:0014290, OMIM 615643.

Allele frequency attached by ClinVar (database versions not stated): gnomAD exomes 0.00001; TOPMed 0.00001; gnomAD 0.00002.
gnomAD v4.1: 18 of 1,613,832 alleles (0.0011%); highest among the groups gnomAD compares: African/African-American, 0.0013%; no homozygotes.

Submissions (2):

GeneDx
Classification: Uncertain significance. Last evaluated: 2025-07-08. Review status: criteria provided, single submitter. Criteria: GeneDx Variant Classification Process June 2021. Collection method: clinical testing. Allele origin: germline. Affected: yes.
Comment: Not observed at significant frequency in large population cohorts (gnomAD); In silico analysis suggests that this variant does not alter splicing; Has not been previously published as pathogenic or benign to our knowledge

Labcorp Genetics (formerly Invitae), Labcorp
Classification: Likely benign for Neurodegeneration with brain iron accumulation 6. Last evaluated: 2023-09-29. Review status: criteria provided, single submitter. Criteria: Invitae Variant Classification Sherloc (09022015). Collection method: clinical testing. Allele origin: germline.

NM_025233.7(COASY):c.573C>T (p.Tyr191=)

Gene: COASY (Coenzyme A synthase; plus strand). Cytogenetic location: 17q21.2.
Variant type: single nucleotide variant.
Coding change: c.573C>T on transcript NM_025233.7 (MANE Select); coding-DNA position 573, C replaced by T.
Protein change: p.Tyr191=; no amino-acid change (tyrosine 191 retained).
Molecular consequence: synonymous variant.
Genome position (GRCh38, 1-based): chr17:42,563,195, C>T. VCF-style: chr17-42563195-C-T. GRCh37 (hg19) VCF-style: chr17-40715213-C-T.
Other names: c.573C>T, p.Tyr191= (NM_001042529.3); c.660C>T, p.Tyr220= (NM_001042532.4); c.573C>T (NM_025233.6).
Identifiers: ClinVar variation 2863497 (VCV002863497.4), dbSNP rs1165347541, ClinGen allele CA500219635.